The following is an entry in ClinVar:

NM_003738.5(PTCH2):c.2803G>A (p.Ala935Thr)

Gene: PTCH2 (patched 2; minus strand). Cytogenetic location: 1p34.1.
Variant type: single nucleotide variant.
Coding change: c.2803G>A on transcript NM_003738.5 (MANE Select); coding-DNA position 2803, G replaced by A.
Protein change: p.Ala935Thr; replaces alanine 935 with threonine.
Molecular consequence: missense variant.
Genome position (GRCh38, 1-based): chr1:44,826,661, C>T on the plus strand (G>A on the coding strand, the complement: PTCH2 is on the minus strand). VCF-style: chr1-44826661-C-T. GRCh37 (hg19) VCF-style: chr1-45292333-C-T.
Other names: c.2803G>A, p.Ala935Thr (NM_001166292.2); short protein forms A935T.
Identifiers: ClinVar variation 654434 (VCV000654434.13), dbSNP rs144561012, ClinGen allele CA822883.
Genomic context (GRCh38, chr1:44,826,661, plus strand): 5'-CCCAGAAGAGGAAGGGGGAGCCGCTGGGGTAGGCGTGCACCCCAGCCTGGCCGGCCTCTG[C>T]GCATGCTGCCCGGGCCCCCTCGATGGCCTCCACAAAGTCTGCAGTCTTCTGGAGGCCACG-3'
Protein context (NP_003729.3, residues 925-945): EAIEGARAAC[Ala935Thr]EAGQAGVHAY

ClinVar aggregate classification (germline): Uncertain significance. Review status: criteria provided, multiple submitters, no conflicts (2 of 4 stars). 3 submissions from 3 submitters: Uncertain significance (3). Last evaluated 2025-10-14.

Conditions:
Basal cell carcinoma, susceptibility to, 1. Also called: BCC1. Identifiers: MedGen C2751544, MONDO:0011556, OMIM 605462.
Medulloblastoma (MDB). Also called: MEDULLOBLASTOMA PREDISPOSITION SYNDROME; Medulloblastoma, somatic. Identifiers: Orphanet 616, MedGen C0025149, MeSH D008527, MONDO:0007959, OMIM 155255, HP:0002885.
Gorlin syndrome. Also called: Nevoid Basal Cell Carcinoma Syndrome; Basal cell nevus syndrome. Identifiers: Orphanet 377, MedGen C0004779, MONDO:0007187.

Allele frequency attached by ClinVar (database versions not stated): gnomAD exomes 0.00002; ExAC 0.00005; TOPMed 0.00010; gnomAD 0.00011 and 0.00014; 1000 Genomes Project 30x 0.00016; 1000 Genomes Project 0.00020; ESP Exome Variant Server 0.00023.
gnomAD v4.1: 95 of 1,611,320 alleles (0.0059%); highest among the groups gnomAD compares: African/African-American, 0.023%; no homozygotes.

Submissions (3):

Ambry Genetics
Classification: Uncertain significance. Last evaluated: 2025-10-14. Review status: criteria provided, single submitter. Criteria: Ambry Variant Classification Scheme 2023. Collection method: clinical testing. Allele origin: germline.

Fulgent Genetics
Classification: Uncertain significance for Medulloblastoma; Basal cell carcinoma, susceptibility to, 1. Last evaluated: 2024-04-23. Review status: criteria provided, single submitter. Criteria: ACMG Guidelines, 2015. Collection method: clinical testing. Allele origin: germline.

Labcorp Genetics (formerly Invitae), Labcorp
Classification: Uncertain significance for Gorlin syndrome. Last evaluated: 2024-02-17. Review status: criteria provided, single submitter. Criteria: Invitae Variant Classification Sherloc (09022015). Collection method: clinical testing. Allele origin: germline.
Comment: This sequence change replaces alanine, which is neutral and non-polar, with threonine, which is neutral and polar, at codon 935 of the PTCH2 protein (p.Ala935Thr). This variant is present in population databases (rs144561012, gnomAD 0.02%). This variant has not been reported in the literature in individuals affected with PTCH2-related conditions. ClinVar contains an entry for this variant (Variation ID: 654434). Advanced modeling of protein sequence and biophysical properties (such as structural, functional, and spatial information, amino acid conservation, physicochemical variation, residue mobility, and thermodynamic stability) performed at Invitae indicates that this missense variant is not expected to disrupt PTCH2 protein function with a negative predictive value of 80%. In summary, the available evidence is currently insufficient to determine the role of this variant in disease. Therefore, it has been classified as a Variant of Uncertain Significance.